The following is an entry in ClinVar:

NM_000836.4(GRIN2D):c.1697C>T (p.Ala566Val)

Gene: GRIN2D (glutamate ionotropic receptor NMDA type subunit 2D; plus strand). Cytogenetic location: 19q13.33.
Variant type: single nucleotide variant.
Coding change: c.1697C>T on transcript NM_000836.4 (MANE Select); coding-DNA position 1697, C replaced by T.
Protein change: p.Ala566Val; replaces alanine 566 with valine.
Molecular consequence: missense variant.
Genome position (GRCh38, 1-based): chr19:48,416,117, C>T. VCF-style: chr19-48416117-C-T. GRCh37 (hg19) VCF-style: chr19-48919374-C-T.
Other names: short protein forms A566V.
Identifiers: ClinVar variation 4280659 (VCV004280659.1).

ClinVar aggregate classification (germline): Uncertain significance (1 of 4 stars; one submission).

Conditions:
Developmental and epileptic encephalopathy, 46 (DEE46). Also called: Epileptic encephalopathy, early infantile, 46; GRIN2D-Related Developmental and Epileptic Encephalopathy. Identifiers: MedGen C4310687, MONDO:0014947, OMIM 617162.

Submission:

Institute of Human Genetics, University of Goettingen
Classification: Uncertain significance for Developmental and epileptic encephalopathy, 46. Last evaluated: 2025-09-22. Review status: criteria provided, single submitter. Criteria: ACMG Guidelines, 2015. Collection method: clinical testing. Allele origin: de novo. Inheritance: Autosomal dominant inheritance. Affected: yes. Observed: 1 heterozygote.
Comment: The GRIN2D variant is classified as a Variant of Uncertain Significance (VUS) with possible pathogenic relevance. It is absent from gnomAD [PM2], affects a highly conserved residue within a functional domain, and appears to have arisen de novo [PM6]. The variant type is known to be associated with disease in this gene [PP2]. Most in silico tools (10/19) classify it as a VUS [BP4]. The molecular finding is consistent with aspects of the patient’s clinical phenotype. ACMG criteria: PM2, PM6, PP2, BP4.